The following is an entry in ClinVar:

ClinVar aggregate classification (germline): Uncertain significance. Review status: criteria provided, multiple submitters, no conflicts (2 of 4 stars). 2 submissions from 2 submitters: Uncertain significance (2). Last evaluated 2024-08-10.

Conditions:
Inborn genetic diseases. Identifiers: MedGen C0950123, MeSH D030342.

Allele frequency attached by ClinVar (database versions not stated): ExAC 0.00028; 1000 Genomes Project 30x 0.00031; TOPMed 0.00039; 1000 Genomes Project 0.00040; gnomAD 0.00041; ESP Exome Variant Server 0.00062; gnomAD exomes 0.00068.
gnomAD v4.1: 1,043 of 1,613,726 alleles (0.065%); highest among the groups gnomAD compares: Non-Finnish European, 0.086%; 1 homozygote.

Submissions (2):

Ambry Genetics
Classification: Uncertain significance for Inborn genetic diseases. Last evaluated: 2024-08-10. Review status: criteria provided, single submitter. Criteria: Ambry Variant Classification Scheme 2023. Collection method: clinical testing. Allele origin: germline.

Mayo Clinic Laboratories, Mayo Clinic
Classification: Uncertain significance. Last evaluated: 2024-03-08. Review status: criteria provided, single submitter. Criteria: ACMG Guidelines, 2015. Collection method: clinical testing. Allele origin: germline. Observed: 1 variant allele.
Comment: PM2_moderate

NM_001163809.2(WDR81):c.4225T>G (p.Cys1409Gly)

Gene: WDR81 (WD repeat domain 81; plus strand). Cytogenetic location: 17p13.3.
Variant type: single nucleotide variant.
Coding change: c.4225T>G on transcript NM_001163809.2 (MANE Select); coding-DNA position 4225, T replaced by G.
Protein change: p.Cys1409Gly; replaces cysteine 1409 with glycine.
Molecular consequence: missense variant.
Genome position (GRCh38, 1-based): chr17:1,732,392, T>G. VCF-style: chr17-1732392-T-G. GRCh37 (hg19) VCF-style: chr17-1635686-T-G.
Other names: p.Cys1409Gly; c.616T>G, p.Cys206Gly (NM_001163673.2); c.544T>G, p.Cys182Gly (NM_001163811.2); c.1072T>G, p.Cys358Gly (NM_152348.4); short protein forms C206G, C358G, C1409G, C182G.
Identifiers: ClinVar variation 2249858 (VCV002249858.4), dbSNP rs142940819, ClinGen allele CA8273494.